The following is an entry in ClinVar:

ClinVar aggregate classification (germline): Benign. Review status: criteria provided, multiple submitters, no conflicts (2 of 4 stars). 2 submissions from 2 submitters: Benign (2). Last evaluated 2018-01-13.

Conditions:
Neurodegeneration with brain iron accumulation 4 (NBIA4). Also called: MITOCHONDRIAL PROTEIN-ASSOCIATED NEURODEGENERATION. Identifiers: Orphanet 289560, MedGen C3280371, MONDO:0013674, OMIM 614298. Disease mechanism: loss of function.

Allele frequency attached by ClinVar (database versions not stated): ExAC 0.07161; gnomAD exomes 0.07657 and 0.07835; 1000 Genomes Project 0.13898; gnomAD 0.14390 and 0.15013; 1000 Genomes Project 30x 0.14585; TOPMed 0.15358.

Submissions (2):

Illumina Laboratory Services, Illumina
Classification: Benign for Neurodegeneration with brain iron accumulation 4. Last evaluated: 2018-01-13. Review status: criteria provided, single submitter. Criteria: ICSL Variant Classification Criteria 13 December 2019. Collection method: clinical testing. Allele origin: germline.
Comment: This variant was observed in the ICSL laboratory as part of a predisposition screen in an ostensibly healthy population. It had not been previously curated by ICSL or reported in the Human Gene Mutation Database (HGMD: prior to June 1st, 2018), and was therefore a candidate for classification through an automated scoring system. Utilizing variant allele frequency, disease prevalence and penetrance estimates, and inheritance mode, an automated score was calculated to assess if this variant is too frequent to cause the disease. Based on the score and internal cut-off values, a variant classified as benign is not then subjected to further curation. The score for this variant resulted in a classification of benign for this disease.

Breakthrough Genomics
Classification: Benign. Review status: criteria provided, single submitter. Criteria: ACMG Guidelines, 2015. Collection method: not provided. Allele origin: germline. Inheritance: Autosomal recessive inheritance. Affected: yes.

NM_031448.6(C19orf12):c.*1219C>T

Gene: C19orf12 (chromosome 19 open reading frame 12; minus strand). Cytogenetic location: 19q12.
Variant type: single nucleotide variant.
Coding change: c.*1219C>T on transcript NM_031448.6 (MANE Select); 1219 bases downstream of the stop codon, C replaced by T.
Molecular consequence: 3 prime UTR variant.
Genome position (GRCh38, 1-based): chr19:29,701,493, G>A on the plus strand (C>T on the coding strand, the complement: C19orf12 is on the minus strand). VCF-style: chr19-29701493-G-A. GRCh37 (hg19) VCF-style: chr19-30192400-G-A.
Other names: c.*1219C>T (NM_001031726.4, NM_001256047.2, NM_001282929.1 and 2 more transcripts); c.*1266C>T (NM_001256046.3).
Identifiers: ClinVar variation 328701 (VCV000328701.6), dbSNP rs1129852, ClinGen allele CA9351757.
Genomic context (GRCh38, chr19:29,701,493, plus strand): 5'-ATATGCTACACCATATTGTTTAGGGAATAATGGCAAGAAAAAAAGGTCTGTACGTGTTCA[G>A]TACCAATGCAATTTCTTTTTTCAAATATTTCCTATCCAAGGCTGGTTGGATCTAAATGTG-3'